The following is an entry in ClinVar:

ClinVar aggregate classification (germline): Uncertain significance (1 of 4 stars; one submission).

gnomAD v4.1: 2 of 1,596,028 alleles (0.00013%); highest among the groups gnomAD compares: African/African-American, 0.0014%; no homozygotes.

Submission:

Labcorp Genetics (formerly Invitae), Labcorp
Classification: Uncertain significance. Last evaluated: 2024-12-12. Review status: criteria provided, single submitter. Criteria: Invitae Variant Classification Sherloc (09022015). Collection method: clinical testing. Allele origin: germline.
Comment: This sequence change affects a donor splice site in intron 7 of the TNNI3K gene. It is expected to disrupt RNA splicing. Variants that disrupt the donor or acceptor splice site typically lead to a loss of protein function (PMID: 16199547), however the current clinical and genetic evidence is not sufficient to establish whether loss-of-function variants in TNNI3K cause disease. This variant is not present in population databases (gnomAD no frequency). This variant has not been reported in the literature in individuals affected with TNNI3K-related conditions. Algorithms developed to predict the effect of sequence changes on RNA splicing suggest that this variant may disrupt the consensus splice site. In summary, the available evidence is currently insufficient to determine the role of this variant in disease. Therefore, it has been classified as a Variant of Uncertain Significance.

Literature cited by the submitters: PubMed 16199547.

NM_015978.3(TNNI3K):c.682+1G>C

Genes: FPGT-TNNI3K (FPGT-TNNI3K readthrough; plus strand), TNNI3K (TNNI3 interacting kinase; plus strand). Cytogenetic location: 1p31.1.
Variant type: single nucleotide variant.
Coding change: c.682+1G>C on transcript NM_015978.3 (MANE Select); the canonical splice donor site of the intron after coding-DNA position 682, G replaced by C.
Molecular consequence: splice donor variant.
Genome position (GRCh38, 1-based): chr1:74,336,150, G>C. VCF-style: chr1-74336150-G-C. GRCh37 (hg19) VCF-style: chr1-74801834-G-C.
Other names: c.985+1G>C (NM_001112808.3, NM_001199327.2).
Identifiers: ClinVar variation 3700031 (VCV003700031.2).
Genomic context (GRCh38, chr1:74,336,150, plus strand): 5'-CTGCAAAAGGATTCTTGAATATTGCAAAACTCTTGATGGAAGAAGGCAGCAAAGCAGATG[G>C]TAAGATTATATATTTAAAAGACCTTTGCTATCATTTGCTTTATGTATACCTTTTACTTGT-3'